The following is an entry in ClinVar:

NM_004208.4(AIFM1):c.1448+5T>C

Genes: AIFM1 (apoptosis inducing factor mitochondria associated 1; minus strand), RAB33A (RAB33A, member RAS oncogene family; plus strand). Cytogenetic location: Xq26.1.
Variant type: single nucleotide variant.
Coding change: c.1448+5T>C on transcript NM_004208.4 (MANE Select); 5 bases into the intron after coding-DNA position 1448, T replaced by C.
Molecular consequence: intron variant.
Genome position (GRCh38, 1-based): chrX:130,133,308, A>G on the plus strand (T>C on the coding strand, the complement: AIFM1 is on the minus strand). VCF-style: chrX-130133308-A-G. GRCh37 (hg19) VCF-style: chrX-129267283-A-G.
Other names: c.1436+5T>C (NM_145812.3); c.*676+5T>C (NM_001130847.4); c.431+5T>C (NM_001130846.4).
Identifiers: ClinVar variation 1772828 (VCV001772828.7), dbSNP rs1175775272, ClinGen allele CA644165160.

ClinVar aggregate classification (germline): Uncertain significance. Review status: criteria provided, multiple submitters, no conflicts (2 of 4 stars). 2 submissions from 2 submitters: Uncertain significance (2). Last evaluated 2022-11-06.

Conditions:
Charcot-Marie-Tooth Neuropathy X. Identifiers: MedGen CN118851.
Combined oxidative phosphorylation deficiency. Identifiers: MedGen C4540031, MONDO:0000732.
Inborn genetic diseases. Identifiers: MedGen C0950123, MeSH D030342.

Allele frequency attached by ClinVar (database versions not stated): gnomAD exomes 0.00004.
gnomAD v4.1: 40 of 1,211,047 alleles (0.0033%); highest among the groups gnomAD compares: Non-Finnish European, 0.0045%; no homozygotes.

Submissions (2):

Labcorp Genetics (formerly Invitae), Labcorp
Classification: Uncertain significance for Charcot-Marie-Tooth Neuropathy X; Combined oxidative phosphorylation deficiency. Last evaluated: 2022-11-06. Review status: criteria provided, single submitter. Criteria: Invitae Variant Classification Sherloc (09022015). Collection method: clinical testing. Allele origin: germline.
Comment: This sequence change falls in intron 13 of the AIFM1 gene. It does not directly change the encoded amino acid sequence of the AIFM1 protein. It affects a nucleotide within the consensus splice site. This variant is present in population databases (no rsID available, gnomAD 0.005%). This variant has not been reported in the literature in individuals affected with AIFM1-related conditions. Variants that disrupt the consensus splice site are a relatively common cause of aberrant splicing (PMID: 17576681, 9536098). Algorithms developed to predict the effect of sequence changes on RNA splicing suggest that this variant is not likely to affect RNA splicing. In summary, the available evidence is currently insufficient to determine the role of this variant in disease. Therefore, it has been classified as a Variant of Uncertain Significance.

Ambry Genetics
Classification: Uncertain significance for Inborn genetic diseases. Last evaluated: 2022-07-08. Review status: criteria provided, single submitter. Criteria: Ambry Variant Classification Scheme 2023. Collection method: clinical testing. Allele origin: germline.
Comment: The c.1448+5T>C intronic variant results from a T to C substitution 5 nucleotides after coding exon 13 in the AIFM1 gene. This nucleotide position is not well conserved in available vertebrate species. Based on data from gnomAD, the C allele has an overall frequency of 0.002183% (4/183202) total alleles studied, with 1 hemizygote observed. The highest observed frequency was 0.004899% (4/81651) of European non-Finnish alleles. In silico splice site analysis predicts that this alteration will not have any significant effect on splicing. Since supporting evidence is limited at this time, the clinical significance of this alteration remains unclear.

Literature cited by the submitters: PubMed 17576681 (cited by Labcorp Genetics (formerly Invitae), Labcorp); PubMed 9536098 (cited by Labcorp Genetics (formerly Invitae), Labcorp).